The following is an entry in ClinVar:

NM_001199107.2(TBC1D24):c.475del (p.Leu159fs)

Gene: TBC1D24 (TBC1 domain family member 24; plus strand). Cytogenetic location: 16p13.3.
Variant type: Deletion.
Coding change: c.475del on transcript NM_001199107.2 (MANE Select); coding-DNA position 475, one base deleted (C; older notation c.475delC).
Protein change: p.Leu159fs; shifts the reading frame from leucine 159.
Molecular consequence: frameshift variant.
Genome position (GRCh38, 1-based): chr16:2,496,623, C deleted; the last of 2 consecutive C bases (chr16:2,496,622-2,496,623); deleting either gives the same sequence. VCF-style (leftmost placement, unchanged base first): chr16-2496621-TC-T. GRCh37 (hg19) VCF-style: chr16-2546622-TC-T.
Other names: c.475del (NM_001199107.1); c.475del, p.Leu159fs (NM_020705.3); short protein forms L159fs.
Identifiers: ClinVar variation 207507 (VCV000207507.14), dbSNP rs796053403, ClinGen allele CA319047.
Genomic context (GRCh38, chr16:2,496,621, plus strand): 5'-TGGCCCTGCTGCTGCACTACAGCATCGACGAGGCCGAGTGCTTCGAGAAGGCCTGCCGCA[TC>T]CTGGCCTGCAATGACCCCGGCAGGAGGCTGATCGACCAGAGCTTCCTGGCCTTTGAGTCG-3'

ClinVar aggregate classification (germline): Pathogenic. Review status: criteria provided, multiple submitters, no conflicts (2 of 4 stars). 3 submissions from 3 submitters: Pathogenic (3). Last evaluated 2026-01-26.

Conditions:
Autosomal dominant nonsyndromic hearing loss 65. Also called: Deafness, autosomal dominant 65; TBC1D24-Related Autosomal Dominant Nonsyndromic Hearing Loss (DFNA). Identifiers: Orphanet 90635, MedGen C3892048, MONDO:0014470, OMIM 616044.
Developmental and epileptic encephalopathy, 1 (DEE1). Also called: X-linked infantile spasms; West's syndrome; Tonic spasms with clustering, arrest of psychomotor development and hypsarrhythmia on EEG; X-Linked Infantile Spasm Syndrome; Epileptic encephalopathy, early infantile, 1; OHTAHARA SYNDROME, X-LINKED. Identifiers: MedGen C3463992, MONDO:0010632, OMIM 308350. Disease mechanism: loss of function.
Inborn genetic diseases. Identifiers: MedGen C0950123, MeSH D030342.

Submissions (3):

Labcorp Genetics (formerly Invitae), Labcorp
Classification: Pathogenic for Developmental and epileptic encephalopathy, 1; Autosomal dominant nonsyndromic hearing loss 65. Last evaluated: 2026-01-26. Review status: criteria provided, single submitter. Criteria: Invitae Variant Classification Sherloc (09022015). Collection method: clinical testing. Allele origin: germline.
Comment: This sequence change creates a premature translational stop signal (p.Leu159Trpfs*10) in the TBC1D24 gene. It is expected to result in an absent or disrupted protein product. Loss-of-function variants in TBC1D24 are known to be pathogenic (PMID: 23526554, 24291220). This variant is present in population databases (rs765690011, gnomAD 0.002%). This premature translational stop signal has been observed in individual(s) with clinical features of autosomal recessive TBC1D24-related conditions (PMID: 31922275). In at least one individual the data is consistent with being in trans (on the opposite chromosome) from a pathogenic variant. ClinVar contains an entry for this variant (Variation ID: 207507). For these reasons, this variant has been classified as Pathogenic.

GeneDx
Classification: Pathogenic. Last evaluated: 2024-11-07. Review status: criteria provided, single submitter. Criteria: GeneDx Variant Classification Process June 2021. Collection method: clinical testing. Allele origin: germline. Affected: yes.
Comment: Frameshift variant predicted to result in protein truncation or nonsense mediated decay in a gene for which loss of function is a known mechanism of disease; Not observed at a significant frequency in large population cohorts (gnomAD); This variant is associated with the following publications: (PMID: 28292732, 28428906, 24387994, 28663785, 27541164, 24291220, 25169651, 26207815, 27281533, 25769375, 24469796, 29655203, 33929620, 31922275)

Ambry Genetics
Classification: Pathogenic for Inborn genetic diseases. Last evaluated: 2017-01-09. Review status: criteria provided, single submitter. Criteria: Ambry exome assertion method (8-5-2015). Collection method: clinical testing. Allele origin: germline. Affected: yes. Observed: 1 variant allele.

Literature cited by the submitters: PubMed 23526554 (cited by Labcorp Genetics (formerly Invitae), Labcorp); PubMed 24291220 (cited by Labcorp Genetics (formerly Invitae), Labcorp); PubMed 31922275 (cited by Labcorp Genetics (formerly Invitae), Labcorp).